The following is an entry in ClinVar:

ClinVar aggregate classification (germline): Uncertain significance (1 of 4 stars; one submission).

Submission:

Labcorp Genetics (formerly Invitae), Labcorp
Classification: Uncertain significance. Last evaluated: 2025-10-12. Review status: criteria provided, single submitter. Criteria: Invitae Variant Classification Sherloc (09022015). Collection method: clinical testing. Allele origin: germline.
Comment: This sequence change replaces arginine, which is basic and polar, with leucine, which is neutral and non-polar, at codon 2827 of the DCHS1 protein (p.Arg2827Leu). This variant is not present in population databases (gnomAD no frequency). This variant has not been reported in the literature in individuals affected with DCHS1-related conditions. Invitae Evidence Modeling of protein sequence and biophysical properties (such as structural, functional, and spatial information, amino acid conservation, physicochemical variation, residue mobility, and thermodynamic stability) indicates that this missense variant is not expected to disrupt DCHS1 protein function with a negative predictive value of 80%. In summary, the available evidence is currently insufficient to determine the role of this variant in disease. Therefore, it has been classified as a Variant of Uncertain Significance.

NM_003737.4(DCHS1):c.8480G>T (p.Arg2827Leu)

Gene: DCHS1 (dachsous cadherin-related 1; minus strand). Cytogenetic location: 11p15.4.
Variant type: single nucleotide variant.
Coding change: c.8480G>T on transcript NM_003737.4 (MANE Select); coding-DNA position 8480, G replaced by T.
Protein change: p.Arg2827Leu; replaces arginine 2827 with leucine.
Molecular consequence: missense variant.
Genome position (GRCh38, 1-based): chr11:6,623,196, C>A on the plus strand (G>T on the coding strand, the complement: DCHS1 is on the minus strand). VCF-style: chr11-6623196-C-A. GRCh37 (hg19) VCF-style: chr11-6644427-C-A.
Other names: short protein forms R2827L.
Identifiers: ClinVar variation 4778809 (VCV004778809.1).
Genomic context (GRCh38, chr11:6,623,196, plus strand): 5'-AGGCCATCGGCACCCCCATCCTCATCTGTGGCCTGCACGTGACCCAAGCTGTGGCCACGC[C>A]GGGCACCTTCGGGCACTTGGAAGTGGAAAGCTGGTGCCAGAAATACAGGGTCATACTCAT-3'
Protein context (NP_003728.1, residues 2817-2837): AFHFQVPEGA[Arg2827Leu]RGHSLGHVQA